The following is an entry in ClinVar:

ClinVar aggregate classification (germline): Uncertain significance. Review status: criteria provided, multiple submitters, no conflicts (2 of 4 stars). 2 submissions from 2 submitters: Uncertain significance (2). Last evaluated 2022-06-20.

Conditions:
Myofibrillar myopathy 5. Also called: Filaminopathy (type); FILAMINOPATHY, AUTOSOMAL DOMINANT. Identifiers: Orphanet 171445, MedGen C1836050, MONDO:0012289, OMIM 609524.
Distal myopathy with posterior leg and anterior hand involvement. Also called: WILLIAMS DISTAL MYOPATHY. Identifiers: Orphanet 63273, MedGen C3279722, MONDO:0013550, OMIM 614065.
Hypertrophic cardiomyopathy 26. Also called: Cardiomyopathy, familial hypertrophic, 26. Identifiers: Orphanet 75249, MedGen C4310749, MONDO:0014883, OMIM 617047.

Allele frequency attached by ClinVar (database versions not stated): TOPMed below 0.00001.
gnomAD v4.1: 2 of 1,613,862 alleles (0.00012%); highest among the groups gnomAD compares: Non-Finnish European, 0.000085%; no homozygotes.

Submissions (2):

GeneDx
Classification: Uncertain significance. Last evaluated: 2022-06-20. Review status: criteria provided, single submitter. Criteria: GeneDx Variant Classification Process June 2021. Collection method: clinical testing. Allele origin: germline. Affected: yes.
Comment: Not observed at significant frequency in large population cohorts (gnomAD); In silico analysis supports that this missense variant has a deleterious effect on protein structure/function; Has not been previously published as pathogenic or benign to our knowledge

Labcorp Genetics (formerly Invitae), Labcorp
Classification: Uncertain significance for Distal myopathy with posterior leg and anterior hand involvement; Myofibrillar myopathy 5; Hypertrophic cardiomyopathy 26. Last evaluated: 2022-04-28. Review status: criteria provided, single submitter. Criteria: Invitae Variant Classification Sherloc (09022015). Collection method: clinical testing. Allele origin: germline.
Comment: This variant has not been reported in the literature in individuals affected with FLNC-related conditions. This sequence change replaces alanine, which is neutral and non-polar, with valine, which is neutral and non-polar, at codon 1200 of the FLNC protein (p.Ala1200Val). This variant is not present in population databases (gnomAD no frequency). Algorithms developed to predict the effect of missense changes on protein structure and function are either unavailable or do not agree on the potential impact of this missense change (SIFT: "Deleterious"; PolyPhen-2: "Probably Damaging"; Align-GVGD: "Class C0"). In summary, the available evidence is currently insufficient to determine the role of this variant in disease. Therefore, it has been classified as a Variant of Uncertain Significance.

NM_001458.5(FLNC):c.3599C>T (p.Ala1200Val)

Gene: FLNC (filamin C; plus strand). Cytogenetic location: 7q32.1.
Variant type: single nucleotide variant.
Coding change: c.3599C>T on transcript NM_001458.5 (MANE Select); coding-DNA position 3599, C replaced by T.
Protein change: p.Ala1200Val; replaces alanine 1200 with valine.
Molecular consequence: missense variant.
Genome position (GRCh38, 1-based): chr7:128,845,064, C>T. VCF-style: chr7-128845064-C-T. GRCh37 (hg19) VCF-style: chr7-128485118-C-T.
Other names: c.3599C>T, p.Ala1200Val (NM_001127487.2); short protein forms A1200V.
Identifiers: ClinVar variation 1806523 (VCV001806523.6), dbSNP rs1808501652, ClinGen allele CA369197319.